The following is an entry in ClinVar:

ClinVar aggregate classification (germline): Benign/Likely benign. Review status: criteria provided, multiple submitters, no conflicts (2 of 4 stars). 6 submissions from 6 submitters: Benign (3); Likely benign (3). Last evaluated 2026-03-01.

Conditions:
Peroxisome biogenesis disorder 4A (Zellweger) (PBD4A). Also called: Zellweger syndrome spectrum (PEX6-related). Identifiers: Orphanet 912, MedGen C3553936, MONDO:0013930, OMIM 614862. Disease mechanism: loss of function.
Peroxisome biogenesis disorder. Identifiers: Orphanet 79189, MedGen C1832200, MONDO:0019234. Disease mechanism: loss of function.

Allele frequency attached by ClinVar (database versions not stated): gnomAD exomes 0.00031 and 0.00085; ExAC 0.00101; 1000 Genomes Project 30x 0.00312; ESP Exome Variant Server 0.00331; gnomAD 0.00337 and 0.00363; 1000 Genomes Project 0.00339; TOPMed 0.00371.
gnomAD v4.1: 983 of 1,613,948 alleles (0.061%); highest among the groups gnomAD compares: African/African-American, 1.1%; 4 homozygotes.

Submissions (6):

CeGaT Center for Human Genetics Tuebingen
Classification: Likely benign. Last evaluated: 2026-03-01. Review status: criteria provided, single submitter. Criteria: CeGaT Center For Human Genetics Tuebingen Variant Classification Criteria Version 2. Collection method: clinical testing. Allele origin: germline. Affected: yes. Observed: 2 variant alleles.
Comment: PEX6: BP4, BP7, BS1

Labcorp Genetics (formerly Invitae), Labcorp
Classification: Benign for Peroxisome biogenesis disorder. Last evaluated: 2026-01-31. Review status: criteria provided, single submitter. Criteria: Invitae Variant Classification Sherloc (09022015). Collection method: clinical testing. Allele origin: germline.

Mayo Clinic Laboratories, Mayo Clinic
Classification: Likely benign. Last evaluated: 2025-03-21. Review status: criteria provided, single submitter. Criteria: ACMG Guidelines, 2015. Collection method: clinical testing. Allele origin: germline. Observed: 4 variant alleles.
Comment: BA1, BP4, BP7

Blueprint Genetics
Classification: Likely benign. Last evaluated: 2024-10-08. Review status: criteria provided, single submitter. Criteria: ACMG Guidelines, 2015. Collection method: clinical testing. Allele origin: germline.

Illumina Laboratory Services, Illumina
Classification: Benign for Peroxisome biogenesis disorder 4A (Zellweger). Last evaluated: 2017-05-16. Review status: criteria provided, single submitter. Criteria: ICSL Variant Classification Criteria 13 December 2019. Collection method: clinical testing. Allele origin: germline.
Comment: This variant was observed as part of a predisposition screen in an ostensibly healthy population. A literature search was performed for the gene, cDNA change, and amino acid change (where applicable). No publications were found based on this search. Allele frequency data from public databases was too high to be consistent with this variant causing disease. Therefore, this variant is classified as benign.

Eurofins Ntd Llc (ga)
Classification: Benign. Last evaluated: 2013-08-01. Review status: criteria provided, single submitter. Criteria: EGL Classification Definitions 2015. Collection method: clinical testing. Allele origin: germline. Observed: 1 variant allele, 1 heterozygote.

NM_000287.4(PEX6):c.1071A>G (p.Leu357=)

Gene: PEX6 (peroxisomal biogenesis factor 6; minus strand). Cytogenetic location: 6p21.1.
Variant type: single nucleotide variant.
Coding change: c.1071A>G on transcript NM_000287.4 (MANE Select); coding-DNA position 1071, A replaced by G.
Protein change: p.Leu357=; no amino-acid change (leucine 357 retained).
Molecular consequence: synonymous variant. On other transcripts: non-coding transcript variant (1).
Genome position (GRCh38, 1-based): chr6:42,974,062, T>C on the plus strand (A>G on the coding strand, the complement: PEX6 is on the minus strand). VCF-style: chr6-42974062-T-C. GRCh37 (hg19) VCF-style: chr6-42941800-T-C.
Other names: p.Leu357=; c.807A>G, p.Leu269= (NM_001316313.2).
Identifiers: ClinVar variation 92778 (VCV000092778.44), dbSNP rs116318004, ClinGen allele CA145999.